The following is an entry in ClinVar:

NM_006258.4(PRKG1):c.782A>C (p.Glu261Ala)

Gene: PRKG1 (protein kinase cGMP-dependent 1; plus strand). Cytogenetic location: 10q21.1.
Variant type: single nucleotide variant.
Coding change: c.782A>C on transcript NM_006258.4 (MANE Select); coding-DNA position 782, A replaced by C.
Protein change: p.Glu261Ala; replaces glutamic acid 261 with alanine.
Molecular consequence: missense variant. On other transcripts: 5 prime UTR variant (1).
Genome position (GRCh38, 1-based): chr10:52,054,503, A>C. VCF-style: chr10-52054503-A-C. GRCh37 (hg19) VCF-style: chr10-53814263-A-C.
Other names: c.737A>C, p.Glu246Ala (NM_001098512.3); c.-428A>C (NM_001374781.1); c.782A>C, p.Glu261Ala (NM_001374782.1); short protein forms E246A, E261A.
Identifiers: ClinVar variation 1365394 (VCV001365394.6), dbSNP rs2133254613, ClinGen allele CA376533824.

ClinVar aggregate classification (germline): Uncertain significance (1 of 4 stars; one submission).

Conditions:
Aortic aneurysm, familial thoracic 8 (AAT8). Identifiers: MedGen C3809513, MONDO:0014187, OMIM 615436.

Submission:

Labcorp Genetics (formerly Invitae), Labcorp
Classification: Uncertain significance for Aortic aneurysm, familial thoracic 8. Last evaluated: 2022-10-14. Review status: criteria provided, single submitter. Criteria: Invitae Variant Classification Sherloc (09022015). Collection method: clinical testing. Allele origin: germline.
Comment: Algorithms developed to predict the effect of missense changes on protein structure and function (SIFT, PolyPhen-2, Align-GVGD) all suggest that this variant is likely to be tolerated. ClinVar contains an entry for this variant (Variation ID: 1365394). This variant has not been reported in the literature in individuals affected with PRKG1-related conditions. This variant is not present in population databases (gnomAD no frequency). This sequence change replaces glutamic acid, which is acidic and polar, with alanine, which is neutral and non-polar, at codon 261 of the PRKG1 protein (p.Glu261Ala). In summary, the available evidence is currently insufficient to determine the role of this variant in disease. Therefore, it has been classified as a Variant of Uncertain Significance.